The following is an entry in ClinVar:

ClinVar aggregate classification (germline): Conflicting classifications of pathogenicity. Review status: criteria provided, conflicting classifications (1 of 4 stars). 6 submissions from 6 submitters: Uncertain significance (1); Benign (2); Likely benign (2). 1 of the submissions does not count toward it. Last evaluated 2026-02-01.

Conditions:
AGRN-related disorder. Also called: AGRN-related condition.
Congenital myasthenic syndrome 8. Also called: Myasthenic syndrome, congenital, 8, with pre- and postsynaptic defects; MYASTHENIC SYNDROME, CONGENITAL, DUE TO AGRIN DEFICIENCY. Identifiers: Orphanet 590, MedGen C3808739, MONDO:0014052, OMIM 615120.

Allele frequency attached by ClinVar (database versions not stated): gnomAD 0.00583 and 0.00674; TOPMed 0.00583; 1000 Genomes Project 30x 0.00843; 1000 Genomes Project 0.00879; ExAC 0.03475.

Submissions (6):

Labcorp Genetics (formerly Invitae), Labcorp
Classification: Benign for Congenital myasthenic syndrome 8. Last evaluated: 2026-02-01. Review status: criteria provided, single submitter. Criteria: Invitae Variant Classification Sherloc (09022015). Collection method: clinical testing. Allele origin: germline.

GeneDx
Classification: Likely benign. Last evaluated: 2024-06-18. Review status: criteria provided, single submitter. Criteria: GeneDx Variant Classification Process June 2021. Collection method: clinical testing. Allele origin: germline. Affected: yes.
Comment: See Variant Classification Assertion Criteria.

Mayo Clinic Laboratories, Mayo Clinic
Classification: Benign. Last evaluated: 2019-07-23. Review status: criteria provided, single submitter. Criteria: ACMG Guidelines, 2015. Collection method: clinical testing. Allele origin: germline. Observed: 9 variant alleles.

Athena Diagnostics
Classification: Likely benign. Last evaluated: 2017-10-20. Review status: criteria provided, single submitter. Criteria: Athena Diagnostics Criteria. Collection method: clinical testing. Allele origin: germline.

Genetic Services Laboratory, University of Chicago
Classification: Uncertain significance. Last evaluated: 2014-09-29. Review status: criteria provided, single submitter. Criteria: ACMG Guidelines, 2015. Collection method: clinical testing. Allele origin: germline.

PreventionGenetics, part of Exact Sciences
Classification: Benign for AGRN-related condition. Last evaluated: 2019-04-05. Review status: no assertion criteria provided. Collection method: clinical testing. Allele origin: germline. Not counted in ClinVar's aggregate classification.
Comment: This variant is classified as benign based on ACMG/AMP sequence variant interpretation guidelines (Richards et al. 2015 PMID: 25741868, with internal and published modifications).

NM_198576.4(AGRN):c.67G>C (p.Val23Leu)

Gene: AGRN (agrin; plus strand). Cytogenetic location: 1p36.33.
Variant type: single nucleotide variant.
Coding change: c.67G>C on transcript NM_198576.4 (MANE Select); coding-DNA position 67, G replaced by C.
Protein change: p.Val23Leu; replaces valine 23 with leucine.
Molecular consequence: missense variant.
Genome position (GRCh38, 1-based): chr1:1,020,239, G>C. VCF-style: chr1-1020239-G-C. GRCh37 (hg19) VCF-style: chr1-955619-G-C.
Other names: p.Val23Leu; c.67G>C (LRG_198t1); c.67G>C, p.Val23Leu (NM_001305275.2); short protein forms V23L.
Identifiers: ClinVar variation 210112 (VCV000210112.25), dbSNP rs201073369, ClinGen allele CA206644.